The following is an entry in ClinVar:

ClinVar aggregate classification (germline): Uncertain significance (1 of 4 stars; one submission).

Submission:

Labcorp Genetics (formerly Invitae), Labcorp
Classification: Uncertain significance. Last evaluated: 2022-06-27. Review status: criteria provided, single submitter. Criteria: Invitae Variant Classification Sherloc (09022015). Collection method: clinical testing. Allele origin: germline.
Comment: This sequence change replaces asparagine, which is neutral and polar, with serine, which is neutral and polar, at codon 960 of the USH2A protein (p.Asn960Ser). This variant is not present in population databases (gnomAD no frequency). This variant has not been reported in the literature in individuals affected with USH2A-related conditions. Algorithms developed to predict the effect of missense changes on protein structure and function output the following: SIFT: "Tolerated"; PolyPhen-2: "Benign"; Align-GVGD: "Class C0". The serine amino acid residue is found in multiple mammalian species, which suggests that this missense change does not adversely affect protein function. In summary, the available evidence is currently insufficient to determine the role of this variant in disease. Therefore, it has been classified as a Variant of Uncertain Significance.

NM_206933.4(USH2A):c.2879A>G (p.Asn960Ser)

Genes: USH2A (usherin; minus strand), USH2A-AS1 (USH2A antisense RNA 1; plus strand). Cytogenetic location: 1q41.
Variant type: single nucleotide variant.
Coding change: c.2879A>G on transcript NM_206933.4 (MANE Select); coding-DNA position 2879, A replaced by G.
Protein change: p.Asn960Ser; replaces asparagine 960 with serine.
Molecular consequence: missense variant.
Genome position (GRCh38, 1-based): chr1:216,232,067, T>C on the plus strand (A>G on the coding strand, the complement: USH2A is on the minus strand). VCF-style: chr1-216232067-T-C. GRCh37 (hg19) VCF-style: chr1-216405409-T-C.
Other names: c.2879A>G, p.Asn960Ser (NM_007123.6); short protein forms N960S.
Identifiers: ClinVar variation 2011477 (VCV002011477.4), dbSNP rs2102522317, ClinGen allele CA344863310.
Genomic context (GRCh38, chr1:216,232,067, plus strand): 5'-TGCCCAGCAATGGAAGCATCTTGGCAAACACACTGACCAGTCAGGCTATTACAGATGTGA[T>C]TAACTGCACCAGTTGTATGGCATGAGCATGGCAGGCAGCCAGTGGCATTGCCTGGAGAAA-3'
Protein context (NP_996816.3, residues 950-970): PCSCHTTGAV[Asn960Ser]HICNSLTGQC